The following is an entry in ClinVar:

NM_001408.3(CELSR2):c.6108C>T (p.Phe2036=)

Gene: CELSR2 (cadherin EGF LAG seven-pass G-type receptor 2; plus strand). Cytogenetic location: 1p13.3.
Variant type: single nucleotide variant.
Coding change: c.6108C>T on transcript NM_001408.3 (MANE Select); coding-DNA position 6108, C replaced by T.
Protein change: p.Phe2036=; no amino-acid change (phenylalanine 2036 retained).
Molecular consequence: synonymous variant.
Genome position (GRCh38, 1-based): chr1:109,267,642, C>T. VCF-style: chr1-109267642-C-T. GRCh37 (hg19) VCF-style: chr1-109810264-C-T.
Identifiers: ClinVar variation 3618828 (VCV003618828.2).
Genomic context (GRCh38, chr1:109,267,642, plus strand): 5'-GTGGCTCCCCCCAAACCTCTTCAACTGCACGTCCATCACCTTCTCAGAACTGAAGGGCTT[C>T]GTAAGTGAACCCCCTCATCTCCATCTTTTCCCTGTCCTTCGTCCTGAGTCTCACTTGCCC-3'
Protein context (NP_001399.1, residues 2026-2046): TSITFSELKG[Phe2036=]AERLQRNESG

ClinVar aggregate classification (germline): Uncertain significance (1 of 4 stars; one submission).

gnomAD v4.1: 9 of 1,614,128 alleles (0.00056%); highest among the groups gnomAD compares: African/African-American, 0.0013%; no homozygotes.

Submission:

Labcorp Genetics (formerly Invitae), Labcorp
Classification: Uncertain significance. Last evaluated: 2024-10-08. Review status: criteria provided, single submitter. Criteria: Invitae Variant Classification Sherloc (09022015). Collection method: clinical testing. Allele origin: germline.
Comment: This sequence change affects codon 2036 of the CELSR2 mRNA. It is a 'silent' change, meaning that it does not change the encoded amino acid sequence of the CELSR2 protein. It affects a nucleotide within the consensus splice site. This variant is present in population databases (rs751395951, gnomAD 0.004%). This variant has not been reported in the literature in individuals affected with CELSR2-related conditions. Algorithms developed to predict the effect of sequence changes on RNA splicing suggest that this variant is not likely to affect RNA splicing. In summary, the available evidence is currently insufficient to determine the role of this variant in disease. Therefore, it has been classified as a Variant of Uncertain Significance.